The following is an entry in ClinVar:

ClinVar aggregate classification (germline): Likely benign. Review status: criteria provided, multiple submitters, no conflicts (2 of 4 stars). 2 submissions from 2 submitters: Likely benign (2). Last evaluated 2026-01-13.

Conditions:
Ehlers-Danlos syndrome, classic type, 1 (EDSCL1). Also called: EDS I; Ehlers-Danlos syndrome, type 1; EHLERS-DANLOS SYNDROME, GRAVIS TYPE; EHLERS-DANLOS SYNDROME, SEVERE CLASSIC TYPE; Ehlers-Danlos Syndrome, Classic Type, COL5A1-Related. Identifiers: MedGen C0268335, MONDO:0019567, OMIM 130000.

Allele frequency attached by ClinVar (database versions not stated): gnomAD 0.00006 and 0.00005; TOPMed 0.00007; ESP Exome Variant Server 0.00026; gnomAD exomes 0.00003; ExAC 0.00006.
gnomAD v4.1: 218 of 1,550,454 alleles (0.014%); highest among the groups gnomAD compares: Non-Finnish European, 0.017%; no homozygotes.

Submissions (2):

Labcorp Genetics (formerly Invitae), Labcorp
Classification: Likely benign for Ehlers-Danlos syndrome, classic type, 1. Last evaluated: 2026-01-13. Review status: criteria provided, single submitter. Criteria: Invitae Variant Classification Sherloc (09022015). Collection method: clinical testing. Allele origin: germline.

Women's Health and Genetics/Laboratory Corporation of America, LabCorp
Classification: Likely benign. Last evaluated: 2025-10-27. Review status: criteria provided, single submitter. Criteria: LabCorp Variant Classification Summary - May 2015. Collection method: clinical testing. Allele origin: germline.
Comment: Variant summary: COL5A1 c.3906+11G>A alters a non-conserved nucleotide located at a position not widely known to affect splicing. Consensus agreement among computation tools predict no significant impact on normal splicing. However, these predictions have yet to be confirmed by functional studies. The variant allele was found at a frequency of 2.6e-05 in 154000 control chromosomes. The available data on variant occurrences in the general population are insufficient to allow any conclusion about variant significance. To our knowledge, no occurrence of c.3906+11G>A in individuals affected with COL5A1-related conditions and no experimental evidence demonstrating its impact on protein function have been reported. ClinVar contains an entry for this variant (Variation ID: 1652052). Based on the evidence outlined above, the variant was classified as likely benign.

NM_000093.5(COL5A1):c.3906+11G>A

Gene: COL5A1 (collagen type V alpha 1 chain; plus strand). Cytogenetic location: 9q34.3.
Variant type: single nucleotide variant.
Coding change: c.3906+11G>A on transcript NM_000093.5 (MANE Select); 11 bases into the intron after coding-DNA position 3906, G replaced by A.
Molecular consequence: intron variant.
Genome position (GRCh38, 1-based): chr9:134,814,047, G>A. VCF-style: chr9-134814047-G-A. GRCh37 (hg19) VCF-style: chr9-137705893-G-A.
Other names: c.3906+11G>A (NM_001278074.1).
Identifiers: ClinVar variation 1652052 (VCV001652052.9), dbSNP rs372939968, ClinGen allele CA5320069.